The following is an entry in ClinVar:

NM_002615.7(SERPINF1):c.555G>A (p.Gln185=)

Gene: SERPINF1 (serpin family F member 1; plus strand). Cytogenetic location: 17p13.3.
Variant type: single nucleotide variant.
Coding change: c.555G>A on transcript NM_002615.7 (MANE Select); coding-DNA position 555, G replaced by A.
Protein change: p.Gln185=; no amino-acid change (glutamine 185 retained).
Molecular consequence: synonymous variant. On other transcripts: 5 prime UTR variant (2).
Genome position (GRCh38, 1-based): chr17:1,771,987, G>A. VCF-style: chr17-1771987-G-A. GRCh37 (hg19) VCF-style: chr17-1675281-G-A.
Other names: p.Gln185=; c.555G>A, p.Gln185= (NM_001329903.2); c.-7G>A (NM_001329904.2, NM_001329905.2).
Identifiers: ClinVar variation 291232 (VCV000291232.20), dbSNP rs34063250, ClinGen allele CA8274735.

ClinVar aggregate classification (germline): Benign/Likely benign. Review status: criteria provided, multiple submitters, no conflicts (2 of 4 stars). 8 submissions from 8 submitters: Benign (4); Likely benign (4). Last evaluated 2026-01-20.

Conditions:
Osteogenesis imperfecta type 6. Also called: Osteogenesis imperfecta, type VI. Identifiers: Orphanet 666, MedGen C3279564, MONDO:0013515, OMIM 613982.

Allele frequency attached by ClinVar (database versions not stated): gnomAD exomes 0.00023 and 0.00058; ExAC 0.00083; gnomAD 0.00218 and 0.00231; 1000 Genomes Project 30x 0.00250; TOPMed 0.00257; 1000 Genomes Project 0.00260; ESP Exome Variant Server 0.00277.
gnomAD v4.1: 680 of 1,613,978 alleles (0.042%); highest among the groups gnomAD compares: African/African-American, 0.8%; 3 homozygotes.

Submissions (8):

Labcorp Genetics (formerly Invitae), Labcorp
Classification: Benign. Last evaluated: 2026-01-20. Review status: criteria provided, single submitter. Criteria: Invitae Variant Classification Sherloc (09022015). Collection method: clinical testing. Allele origin: germline.

Mayo Clinic Laboratories, Mayo Clinic
Classification: Benign. Last evaluated: 2025-02-26. Review status: criteria provided, single submitter. Criteria: ACMG Guidelines, 2015. Collection method: clinical testing. Allele origin: germline. Observed: 1 variant allele.
Comment: BA1, BP4, BP7

ARUP Laboratories, Molecular Genetics and Genomics, ARUP Laboratories
Classification: Benign for Osteogenesis imperfecta type 6. Last evaluated: 2025-02-04. Review status: criteria provided, single submitter. Criteria: ARUP Molecular Germline Variant Investigation Process 2024. Collection method: clinical testing. Allele origin: germline.

Blueprint Genetics
Classification: Likely benign. Last evaluated: 2024-08-13. Review status: criteria provided, single submitter. Criteria: ACMG Guidelines, 2015. Collection method: clinical testing. Allele origin: germline.

Illumina Laboratory Services, Illumina
Classification: Likely benign for Osteogenesis imperfecta type 6. Last evaluated: 2018-01-13. Review status: criteria provided, single submitter. Criteria: ICSL Variant Classification Criteria 13 December 2019. Collection method: clinical testing. Allele origin: germline.
Comment: This variant was observed in the ICSL laboratory as part of a predisposition screen in an ostensibly healthy population. It had not been previously curated by ICSL or reported in the Human Gene Mutation Database (HGMD: prior to June 1st, 2018), and was therefore a candidate for classification through an automated scoring system. Utilizing variant allele frequency, disease prevalence and penetrance estimates, and inheritance mode, an automated score was calculated to assess if this variant is too frequent to cause the disease. Based on the score and internal cut-off values, a variant classified as likely benign is not then subjected to further curation. The score for this variant resulted in a classification of likely benign for this disease.

GeneDx
Classification: Likely benign. Last evaluated: 2017-10-30. Review status: criteria provided, single submitter. Criteria: GeneDx Variant Classification (06012015). Collection method: clinical testing. Allele origin: germline. Affected: yes.
Comment: This variant is considered likely benign or benign based on one or more of the following criteria: it is a conservative change, it occurs at a poorly conserved position in the protein, it is predicted to be benign by multiple in silico algorithms, and/or has population frequency not consistent with disease.

Eurofins Ntd Llc (ga)
Classification: Benign. Last evaluated: 2016-09-20. Review status: criteria provided, single submitter. Criteria: EGL Classification Definitions 2015. Collection method: clinical testing. Allele origin: germline. Observed: 1 variant allele, 1 heterozygote.

Breakthrough Genomics
Classification: Likely benign. Review status: criteria provided, single submitter. Criteria: ACMG Guidelines, 2015. Collection method: not provided. Allele origin: germline. Inheritance: Autosomal recessive inheritance. Affected: yes.